The following is an entry in ClinVar:

ClinVar aggregate classification (germline): Uncertain significance (1 of 4 stars; one submission).

gnomAD v4.1: 2 of 1,614,154 alleles (0.00012%); highest among the groups gnomAD compares: East Asian, 0.0045%; no homozygotes.

Submission:

Labcorp Genetics (formerly Invitae), Labcorp
Classification: Uncertain significance. Last evaluated: 2021-09-24. Review status: criteria provided, single submitter. Criteria: Invitae Variant Classification Sherloc (09022015). Collection method: clinical testing. Allele origin: germline.
Comment: This sequence change replaces serine with phenylalanine at codon 1044 of the LIFR protein (p.Ser1044Phe). The serine residue is highly conserved and there is a large physicochemical difference between serine and phenylalanine. This variant is not present in population databases (ExAC no frequency). This variant has not been reported in the literature in individuals affected with LIFR-related conditions. Algorithms developed to predict the effect of missense changes on protein structure and function are either unavailable or do not agree on the potential impact of this missense change (SIFT: "Tolerated"; PolyPhen-2: "Probably Damaging"; Align-GVGD: "Class C0"). In summary, the available evidence is currently insufficient to determine the role of this variant in disease. Therefore, it has been classified as a Variant of Uncertain Significance.

NM_001127671.2(LIFR):c.3131C>T (p.Ser1044Phe)

Gene: LIFR (LIF receptor subunit alpha; minus strand). Cytogenetic location: 5p13.1.
Variant type: single nucleotide variant.
Coding change: c.3131C>T on transcript NM_001127671.2 (MANE Select); coding-DNA position 3131, C replaced by T.
Protein change: p.Ser1044Phe; replaces serine 1044 with phenylalanine.
Molecular consequence: missense variant.
Genome position (GRCh38, 1-based): chr5:38,481,758, G>A on the plus strand (C>T on the coding strand, the complement: LIFR is on the minus strand). VCF-style: chr5-38481758-G-A. GRCh37 (hg19) VCF-style: chr5-38481860-G-A.
Other names: c.3131C>T, p.Ser1044Phe (NM_001364297.2, NM_002310.6); c.3098C>T, p.Ser1033Phe (NM_001364298.2); short protein forms S1033F, S1044F.
Identifiers: ClinVar variation 1362710 (VCV001362710.5), dbSNP rs755926450, ClinGen allele CA359533416.
Genomic context (GRCh38, chr5:38,481,758, plus strand): 5'-TTAATGGAGCATGGACTTCCAAATGAGACAATCTCACTGTTGCTGTCTATGGATCTAGGA[G>A]AGTCTGGAGACACTAAATTCCATGTATTTACATTGGCCTGAGGTCTGTAACCCGCAGTTT-3'
Protein context (NP_001121143.1, residues 1034-1054): VNTWNLVSPD[Ser1044Phe]PRSIDSNSEI